The following is an entry in ClinVar:

ClinVar aggregate classification (germline): Uncertain significance (1 of 4 stars; one submission).

Conditions:
Hereditary cancer-predisposing syndrome. Also called: Tumor predisposition; Hereditary neoplastic syndrome; Hereditary Cancer Syndrome; Neoplastic Syndromes, Hereditary. Identifiers: Orphanet 140162, MedGen C0027672, MeSH D009386, MONDO:0015356.

Submission:

Ambry Genetics
Classification: Uncertain significance for Hereditary cancer-predisposing syndrome. Last evaluated: 2025-05-02. Review status: criteria provided, single submitter. Criteria: Ambry Variant Classification Scheme 2023. Collection method: clinical testing. Allele origin: germline.
Comment: The p.G262R variant (also known as c.784G>C), located in coding exon 3 of the PHOX2B gene, results from a G to C substitution at nucleotide position 784. The glycine at codon 262 is replaced by arginine, an amino acid with dissimilar properties. This amino acid position is conserved. In addition, the in silico prediction for this alteration is inconclusive. Based on the available evidence, the clinical significance of this variant remains unclear.

NM_003924.4(PHOX2B):c.784G>C (p.Gly262Arg)

Gene: PHOX2B (paired like homeobox 2B; minus strand). Cytogenetic location: 4p13.
Variant type: single nucleotide variant.
Coding change: c.784G>C on transcript NM_003924.4 (MANE Select); coding-DNA position 784, G replaced by C.
Protein change: p.Gly262Arg; replaces glycine 262 with arginine.
Molecular consequence: missense variant.
Genome position (GRCh38, 1-based): chr4:41,745,968, C>G on the plus strand (G>C on the coding strand, the complement: PHOX2B is on the minus strand). VCF-style: chr4-41745968-C-G. GRCh37 (hg19) VCF-style: chr4-41747985-C-G.
Other names: short protein forms G262R.
Identifiers: ClinVar variation 3931851 (VCV003931851.1).